The following is an entry in ClinVar:

ClinVar aggregate classification (germline): Benign/Likely benign. Review status: criteria provided, multiple submitters, no conflicts (2 of 4 stars). 13 submissions from 13 submitters: Benign (2); Likely benign (9). 2 of the submissions do not count toward it. Last evaluated 2026-07-01.

Conditions:
Connective tissue disorder. Also called: Connective tissue disease. Identifiers: MedGen C0009782, MONDO:0003900.
Epiphyseal dysplasia, multiple, 6. Also called: COL9A1-Related Multiple Epiphyseal Dysplasia. Identifiers: MedGen C2675767, MONDO:0013591, OMIM 614135.

Allele frequency attached by ClinVar (database versions not stated): 1000 Genomes Project 0.00240; 1000 Genomes Project 30x 0.00250; ESP Exome Variant Server 0.00284; TOPMed 0.00291; gnomAD 0.00337 and 0.00348; gnomAD exomes 0.00364 and 0.00411; ExAC 0.00489.
gnomAD v4.1: 6,468 of 1,609,246 alleles (0.4%); highest among the groups gnomAD compares: Non-Finnish European, 0.46%; 13 homozygotes.

Submissions (13):

CeGaT Center for Human Genetics Tuebingen
Classification: Likely benign. Last evaluated: 2026-07-01. Review status: criteria provided, single submitter. Criteria: CeGaT Center For Human Genetics Tuebingen Variant Classification Criteria Version 2. Collection method: clinical testing. Allele origin: germline. Affected: yes. Observed: 11 variant alleles.
Comment: COL9A1: BS2

Women's Health and Genetics/Laboratory Corporation of America, LabCorp
Classification: Likely benign. Last evaluated: 2026-05-21. Review status: criteria provided, single submitter. Criteria: LabCorp Variant Classification Summary - May 2015. Collection method: clinical testing. Allele origin: germline.
Comment: Variant summary: COL9A1 c.1349A>G (p.Glu450Gly) results in a non-conservative amino acid change in the encoded protein sequence. Algorithms developed to predict the effect of missense changes on protein structure and function are either unavailable or do not agree on the potential impact of this missense change. The variant allele was found at a frequency of 0.0036 in 249288 control chromosomes, predominantly at a frequency of 0.0057 within the Non-Finnish European subpopulation in the gnomAD database, including 2 homozygotes. The observed variant frequency within Non-Finnish European control individuals in the gnomAD database exceeds the estimated maximal expected allele frequency for disease-causing variants in COL9A1. c.1349A>G has been observed in individuals affected with lumbar disc disease, as well as healthy controls, in an individual with Stargardt disease, in an individual with retinitis pigmentosa, and in an individual with familial exudative vitreoretinopathy and right-sided hearing loss and none of these cases demonstrated strong evidence for causality (example: Paassilta_2001, Tiwari_2016, Alsubaie_2023). These reports do not provide unequivocal conclusions about association of the variant with disease. To our knowledge, no experimental evidence demonstrating an impact on protein function has been reported. The following publications have been ascertained in the context of this evaluation (PMID: 33973556, 11308397, 27353947). ClinVar contains an entry for this variant (Variation ID: 194938). Based on the evidence outlined above, the variant was classified as likely benign.

Labcorp Genetics (formerly Invitae), Labcorp
Classification: Benign. Last evaluated: 2026-02-04. Review status: criteria provided, single submitter. Criteria: Invitae Variant Classification Sherloc (09022015). Collection method: clinical testing. Allele origin: germline.

Blueprint Genetics
Classification: Likely benign. Last evaluated: 2024-11-19. Review status: criteria provided, single submitter. Criteria: ACMG Guidelines, 2015. Collection method: clinical testing. Allele origin: germline.

GeneDx
Classification: Likely benign. Last evaluated: 2020-12-18. Review status: criteria provided, single submitter. Criteria: GeneDx Variant Classification Process June 2021. Collection method: clinical testing. Allele origin: germline. Affected: yes.
Comment: This variant is associated with the following publications: (PMID: 26770814, 24828792, 27353947)

Genome Diagnostics Laboratory, The Hospital for Sick Children
Classification: Likely benign for Connective tissue disorder. Last evaluated: 2020-03-01. Review status: criteria provided, single submitter. Criteria: ACMG Guidelines, 2015. Collection method: clinical testing. Allele origin: germline.

Athena Diagnostics
Classification: Likely benign. Last evaluated: 2019-06-07. Review status: criteria provided, single submitter. Criteria: Athena Diagnostics Criteria. Collection method: clinical testing. Allele origin: germline.

Mendelics
Classification: Likely benign for Epiphyseal dysplasia, multiple, 6. Last evaluated: 2019-05-28. Review status: criteria provided, single submitter. Criteria: Mendelics Assertion Criteria 2017. Collection method: clinical testing. Allele origin: unknown.

Eurofins Ntd Llc (ga)
Classification: Benign. Last evaluated: 2014-11-15. Review status: criteria provided, single submitter. Criteria: EGL Classification Definitions 2015. Collection method: clinical testing. Allele origin: germline. Observed: 3 variant alleles, 3 heterozygotes.

Breakthrough Genomics
Classification: Likely benign. Review status: criteria provided, single submitter. Criteria: ACMG Guidelines, 2015. Collection method: not provided. Allele origin: germline. Inheritance: Autosomal dominant inheritance. Affected: yes.

PreventionGenetics, part of Exact Sciences
Classification: Likely benign. Review status: criteria provided, single submitter. Criteria: ACMG Guidelines, 2015. Collection method: clinical testing. Allele origin: germline.

Clinical Genetics DNA and cytogenetics Diagnostics Lab, Erasmus MC, Erasmus Medical Center
Classification: Likely benign. Review status: no assertion criteria provided. Collection method: clinical testing. Allele origin: germline. Affected: yes. Study: VKGL Data-share Consensus. Not counted in ClinVar's aggregate classification.

Laboratory of Diagnostic Genome Analysis, Leiden University Medical Center (LUMC)
Classification: Likely benign. Review status: no assertion criteria provided. Collection method: clinical testing. Allele origin: germline. Affected: yes. Study: VKGL Data-share Consensus. Not counted in ClinVar's aggregate classification.

Literature cited by the submitters: PubMed 27353947 (cited by Women's Health and Genetics/Laboratory Corporation of America, LabCorp); PubMed 33973556 (cited by Women's Health and Genetics/Laboratory Corporation of America, LabCorp); PubMed 11308397 (cited by Women's Health and Genetics/Laboratory Corporation of America, LabCorp).

NM_001851.6(COL9A1):c.1349A>G (p.Glu450Gly)

Gene: COL9A1 (collagen type IX alpha 1 chain; minus strand). Cytogenetic location: 6q13.
Variant type: single nucleotide variant.
Coding change: c.1349A>G on transcript NM_001851.6 (MANE Select); coding-DNA position 1349, A replaced by G.
Protein change: p.Glu450Gly; replaces glutamic acid 450 with glycine.
Molecular consequence: missense variant. On other transcripts: non-coding transcript variant (1).
Genome position (GRCh38, 1-based): chr6:70,263,290, T>C on the plus strand (A>G on the coding strand, the complement: COL9A1 is on the minus strand). VCF-style: chr6-70263290-T-C. GRCh37 (hg19) VCF-style: chr6-70972993-T-C.
Other names: c.620A>G, p.Glu207Gly (NM_001377289.1, NM_001377290.1, NM_078485.4); short protein forms E450G, E207G.
Identifiers: ClinVar variation 194938 (VCV000194938.60), dbSNP rs77706858, ClinGen allele CA201446.